The following is an entry in ClinVar:

ClinVar aggregate classification (germline): Uncertain significance. Review status: criteria provided, multiple submitters, no conflicts (2 of 4 stars). 2 submissions from 2 submitters: Uncertain significance (2). Last evaluated 2024-01-03.

Conditions:
Inborn genetic diseases. Identifiers: MedGen C0950123, MeSH D030342.

Allele frequency attached by ClinVar (database versions not stated): gnomAD exomes 0.00001 and 0.00003; TOPMed 0.00001; ExAC 0.00002.
gnomAD v4.1: 3 of 1,613,746 alleles (0.00019%); highest among the groups gnomAD compares: East Asian, 0.0067%; no homozygotes.

Submissions (2):

Ambry Genetics
Classification: Uncertain significance for Inborn genetic diseases. Last evaluated: 2024-01-03. Review status: criteria provided, single submitter. Criteria: Ambry Variant Classification Scheme 2023. Collection method: clinical testing. Allele origin: germline.

Laboratory for Molecular Medicine, Mass General Brigham Personalized Medicine
Classification: Uncertain significance. Last evaluated: 2019-09-17. Review status: criteria provided, single submitter. Criteria: LMM Criteria. Collection method: clinical testing. Allele origin: germline. Observed: 1 variant allele.
Comment: The p.Lys1079Arg variant in MYO6 has not been previously reported in individuals with hearing loss, but has been identified in 0.04% (7/18394) of East Asian chromosomes by gnomAD. Computational prediction tools and conservation analyses do not provide strong support for or against an impact to the protein. In summary, the clinical significance of this variant is uncertain. ACMG/AMP Criteria applied: PM2_Supporting.

NM_004999.4(MYO6):c.3236A>G (p.Lys1079Arg)

Gene: MYO6 (myosin VI; plus strand). Cytogenetic location: 6q14.1.
Variant type: single nucleotide variant.
Coding change: c.3236A>G on transcript NM_004999.4 (MANE Select); coding-DNA position 3236, A replaced by G.
Protein change: p.Lys1079Arg; replaces lysine 1079 with arginine.
Molecular consequence: missense variant. On other transcripts: non-coding transcript variant (1).
Genome position (GRCh38, 1-based): chr6:75,907,664, A>G. VCF-style: chr6-75907664-A-G. GRCh37 (hg19) VCF-style: chr6-76617381-A-G.
Other names: c.3167A>G, p.Lys1056Arg (NM_001300899.2, NM_001368136.1); c.3224A>G, p.Lys1075Arg (NM_001368137.1); c.3152A>G, p.Lys1051Arg (NM_001368138.1); c.3263A>G, p.Lys1088Arg (NM_001368865.1, NM_001368866.1); c.3236A>G (NM_004999.3); short protein forms K1051R, K1056R, K1079R, K1088R, K1075R.
Identifiers: ClinVar variation 929909 (VCV000929909.5), dbSNP rs753378509, ClinGen allele CA3897640.